The following is an entry in ClinVar:

NM_024675.4(PALB2):c.1059A>G (p.Lys353=)

Gene: PALB2 (partner and localizer of BRCA2; minus strand). Cytogenetic location: 16p12.2.
Variant type: single nucleotide variant.
Coding change: c.1059A>G on transcript NM_024675.4 (MANE Select); coding-DNA position 1059, A replaced by G.
Protein change: p.Lys353=; no amino-acid change (lysine 353 retained).
Molecular consequence: synonymous variant.
Genome position (GRCh38, 1-based): chr16:23,635,487, T>C on the plus strand (A>G on the coding strand, the complement: PALB2 is on the minus strand). VCF-style: chr16-23635487-T-C. GRCh37 (hg19) VCF-style: chr16-23646808-T-C.
Identifiers: ClinVar variation 509399 (VCV000509399.4), dbSNP rs1213280805, ClinGen allele CA494461607.

ClinVar aggregate classification (germline): Benign/Likely benign. Review status: criteria provided, multiple submitters, no conflicts (2 of 4 stars). 4 submissions from 4 submitters: Benign (1); Likely benign (3). Last evaluated 2026-03-08.

Conditions:
Familial cancer of breast. Also called: Hereditary breast cancer; BREAST CANCER, FAMILIAL; hereditary breast carcinoma. Identifiers: Orphanet 227535, MedGen C0346153, MONDO:0016419, OMIM 114480. Disease mechanism: loss of function.
Hereditary cancer-predisposing syndrome. Also called: Tumor predisposition; Hereditary Cancer Syndrome; Neoplastic Syndromes, Hereditary; Hereditary neoplastic syndrome. Identifiers: Orphanet 140162, MedGen C0027672, MeSH D009386, MONDO:0015356.

Allele frequency attached by ClinVar (database versions not stated): TOPMed below 0.00001.
gnomAD v4.1: 1 of 1,614,110 alleles (0.000062%); highest among the groups gnomAD compares: Non-Finnish European, 0.000085%; no homozygotes.

Submissions (4):

Ambry Genetics
Classification: Likely benign for Hereditary cancer-predisposing syndrome. Last evaluated: 2026-03-08. Review status: criteria provided, single submitter. Criteria: Ambry Variant Classification Scheme 2023. Collection method: clinical testing. Allele origin: germline.

Labcorp Genetics (formerly Invitae), Labcorp
Classification: Likely benign for Familial cancer of breast. Last evaluated: 2025-08-17. Review status: criteria provided, single submitter. Criteria: Invitae Variant Classification Sherloc (09022015). Collection method: clinical testing. Allele origin: germline.

Myriad Genetics, Inc.
Classification: Benign for Familial cancer of breast. Last evaluated: 2025-01-13. Review status: criteria provided, single submitter. Criteria: Myriad Autosomal Dominant, Autosomal Recessive and X-Linked Classification Criteria (2023). Collection method: clinical testing. Allele origin: unknown.
Comment: This variant is considered benign. This variant is a silent/synonymous amino acid change and it is not expected to impact splicing.

GeneDx
Classification: Likely benign. Last evaluated: 2017-05-05. Review status: criteria provided, single submitter. Criteria: GeneDx Variant Classification (06012015). Collection method: clinical testing. Allele origin: germline. Affected: yes.
Comment: This variant is considered likely benign or benign based on one or more of the following criteria: it is a conservative change, it occurs at a poorly conserved position in the protein, it is predicted to be benign by multiple in silico algorithms, and/or has population frequency not consistent with disease.